The following is an entry in ClinVar:

NM_001083116.3(PRF1):c.752A>G (p.Asp251Gly)

Gene: PRF1 (perforin 1; minus strand). Cytogenetic location: 10q22.1.
Variant type: single nucleotide variant.
Coding change: c.752A>G on transcript NM_001083116.3 (MANE Select); coding-DNA position 752, A replaced by G.
Protein change: p.Asp251Gly; replaces aspartic acid 251 with glycine.
Molecular consequence: missense variant.
Genome position (GRCh38, 1-based): chr10:70,598,969, T>C on the plus strand (A>G on the coding strand, the complement: PRF1 is on the minus strand). VCF-style: chr10-70598969-T-C. GRCh37 (hg19) VCF-style: chr10-72358725-T-C.
Other names: c.752A>G, p.Asp251Gly (NM_005041.6); short protein forms D251G.
Identifiers: ClinVar variation 4751176 (VCV004751176.1).
Genomic context (GRCh38, chr10:70,598,969, plus strand): 5'-CTGCCGTGGATGCCTATGTTGACCTGGGCCTCGACAGTCAGGCAGTCCTCCACCTCGTTG[T>C]CCGTGAGCCCTTCCAGGGCCAGCTCGCAGGTGCGCAGGGCAGTGAGGGCCGATATGCGGC-3'
Protein context (NP_001076585.1, residues 241-261): TCELALEGLT[Asp251Gly]NEVEDCLTVE

ClinVar aggregate classification (germline): Uncertain significance (1 of 4 stars; one submission).

Conditions:
Familial hemophagocytic lymphohistiocytosis 2 (FHL2). Also called: PRF1-Related Familial Hemophagocytic Lymphohistiocytosis (PRF1-fHLH). Identifiers: Orphanet 540, MedGen C1863727, MONDO:0011337, OMIM 603553.

gnomAD v4.1: 8 of 1,614,256 alleles (0.0005%); highest among the groups gnomAD compares: Non-Finnish European, 0.00068%; no homozygotes.

Submission:

Labcorp Genetics (formerly Invitae), Labcorp
Classification: Uncertain significance for Familial hemophagocytic lymphohistiocytosis 2. Last evaluated: 2025-02-26. Review status: criteria provided, single submitter. Criteria: Invitae Variant Classification Sherloc (09022015). Collection method: clinical testing. Allele origin: germline.
Comment: This sequence change replaces aspartic acid, which is acidic and polar, with glycine, which is neutral and non-polar, at codon 251 of the PRF1 protein (p.Asp251Gly). This variant is not present in population databases (gnomAD no frequency). This variant has not been reported in the literature in individuals affected with PRF1-related conditions. Invitae Evidence Modeling of protein sequence and biophysical properties (such as structural, functional, and spatial information, amino acid conservation, physicochemical variation, residue mobility, and thermodynamic stability) indicates that this missense variant is not expected to disrupt PRF1 protein function with a negative predictive value of 95%. In summary, the available evidence is currently insufficient to determine the role of this variant in disease. Therefore, it has been classified as a Variant of Uncertain Significance.